The following is an entry in ClinVar:

ClinVar aggregate classification (germline): Uncertain significance (1 of 4 stars; one submission).

Conditions:
GREB1L-related disorder. Also called: GREB1L-related condition.

gnomAD v4.1: 5 of 1,551,690 alleles (0.00032%); highest among the groups gnomAD compares: African/African-American, 0.0068%; no homozygotes.

Submission:

PreventionGenetics, part of Exact Sciences
Classification: Uncertain significance for GREB1L-related condition. Last evaluated: 2024-12-12. Review status: criteria provided, single submitter. Criteria: ACMG Guidelines, 2015. Collection method: clinical testing. Allele origin: germline.
Comment: The GREB1L c.3000T>A variant is predicted to result in the amino acid substitution p.Ser1000Arg. To our knowledge, this variant has not been reported in the literature or in a large population database (gnomAD), indicating this variant is rare. At this time, the clinical significance of this variant is uncertain due to the absence of conclusive functional and genetic evidence.

NM_001142966.3(GREB1L):c.3000T>A (p.Ser1000Arg)

Gene: GREB1L (GREB1 like retinoic acid receptor coactivator; plus strand). Cytogenetic location: 18q11.1.
Variant type: single nucleotide variant.
Coding change: c.3000T>A on transcript NM_001142966.3 (MANE Select); coding-DNA position 3000, T replaced by A.
Protein change: p.Ser1000Arg; replaces serine 1000 with arginine.
Molecular consequence: missense variant.
Genome position (GRCh38, 1-based): chr18:21,490,321, T>A. VCF-style: chr18-21490321-T-A. GRCh37 (hg19) VCF-style: chr18-19070282-T-A.
Other names: c.3129T>A, p.Ser1043Arg (NM_001410867.1); c.2673T>A, p.Ser891Arg (NM_001410868.1); short protein forms S1043R, S1000R, S891R.
Identifiers: ClinVar variation 4988754 (VCV004988754.1).